The following is an entry in ClinVar:

ClinVar aggregate classification (germline): Uncertain significance. Review status: criteria provided, multiple submitters, no conflicts (2 of 4 stars). 2 submissions from 2 submitters: Uncertain significance (2). Last evaluated 2024-04-02.

Conditions:
Van Maldergem syndrome 2 (VMLDS2). Identifiers: Orphanet 314679, MedGen C3809875, MONDO:0014242, OMIM 615546.
Hennekam lymphangiectasia-lymphedema syndrome 2 (HKLLS2). Identifiers: Orphanet 2136, MedGen C4014939, MONDO:0014454, OMIM 616006.

Allele frequency attached by ClinVar (database versions not stated): gnomAD exomes below 0.00001; ExAC 0.00001; gnomAD 0.00001; TOPMed 0.00001.
gnomAD v4.1: 4 of 1,613,916 alleles (0.00025%); highest among the groups gnomAD compares: Non-Finnish European, 0.00025%; no homozygotes.

Submissions (2):

Fulgent Genetics
Classification: Uncertain significance for Van Maldergem syndrome 2; Hennekam lymphangiectasia-lymphedema syndrome 2. Last evaluated: 2024-04-02. Review status: criteria provided, single submitter. Criteria: ACMG Guidelines, 2015. Collection method: clinical testing. Allele origin: germline.

Labcorp Genetics (formerly Invitae), Labcorp
Classification: Uncertain significance. Last evaluated: 2024-01-19. Review status: criteria provided, single submitter. Criteria: Invitae Variant Classification Sherloc (09022015). Collection method: clinical testing. Allele origin: germline.
Comment: This sequence change replaces threonine, which is neutral and polar, with isoleucine, which is neutral and non-polar, at codon 2363 of the FAT4 protein (p.Thr2363Ile). This variant is present in population databases (rs780014957, gnomAD 0.0009%). This variant has not been reported in the literature in individuals affected with FAT4-related conditions. ClinVar contains an entry for this variant (Variation ID: 1418705). Advanced modeling of protein sequence and biophysical properties (such as structural, functional, and spatial information, amino acid conservation, physicochemical variation, residue mobility, and thermodynamic stability) performed at Invitae indicates that this missense variant is not expected to disrupt FAT4 protein function with a negative predictive value of 80%. In summary, the available evidence is currently insufficient to determine the role of this variant in disease. Therefore, it has been classified as a Variant of Uncertain Significance.

NM_001291303.3(FAT4):c.7088C>T (p.Thr2363Ile)

Gene: FAT4 (FAT atypical cadherin 4; plus strand). Cytogenetic location: 4q28.1.
Variant type: single nucleotide variant.
Coding change: c.7088C>T on transcript NM_001291303.3 (MANE Select); coding-DNA position 7088, C replaced by T.
Protein change: p.Thr2363Ile; replaces threonine 2363 with isoleucine.
Molecular consequence: missense variant.
Genome position (GRCh38, 1-based): chr4:125,434,314, C>T. VCF-style: chr4-125434314-C-T. GRCh37 (hg19) VCF-style: chr4-126355469-C-T.
Other names: c.7088C>T, p.Thr2363Ile (NM_001291285.3, NM_024582.6); c.7088C>T (NM_024582.5); short protein forms T2363I.
Identifiers: ClinVar variation 1418705 (VCV001418705.5), dbSNP rs780014957, ClinGen allele CA3073090.